The following is an entry in ClinVar:

NM_006904.7(PRKDC):c.1133C>G (p.Ala378Gly)

Gene: PRKDC (protein kinase, DNA-activated, catalytic subunit; minus strand). Cytogenetic location: 8q11.21.
Variant type: single nucleotide variant.
Coding change: c.1133C>G on transcript NM_006904.7 (MANE Select); coding-DNA position 1133, C replaced by G.
Protein change: p.Ala378Gly; replaces alanine 378 with glycine.
Molecular consequence: missense variant.
Genome position (GRCh38, 1-based): chr8:47,936,498, G>C on the plus strand (C>G on the coding strand, the complement: PRKDC is on the minus strand). VCF-style: chr8-47936498-G-C. GRCh37 (hg19) VCF-style: chr8-48849058-G-C.
Other names: c.1133C>G, p.Ala378Gly (NM_001081640.2); short protein forms A378G.
Identifiers: ClinVar variation 1728996 (VCV001728996.2), dbSNP rs760093098, ClinGen allele CA371166361.

ClinVar aggregate classification (germline): Uncertain significance (1 of 4 stars; one submission).

Submission:

Ambry Genetics
Classification: Uncertain significance. Last evaluated: 2022-02-22. Review status: criteria provided, single submitter. Criteria: Ambry Variant Classification Scheme 2023. Collection method: clinical testing. Allele origin: germline.
Comment: The p.A378G variant (also known as c.1133C>G), located in coding exon 12 of the PRKDC gene, results from a C to G substitution at nucleotide position 1133. The alanine at codon 378 is replaced by glycine, an amino acid with similar properties. This amino acid position is conserved. In addition, this alteration is predicted to be tolerated by in silico analysis. Since supporting evidence is limited at this time, the clinical significance of this alteration remains unclear.